The following is an entry in ClinVar:

NM_000282.4(PCCA):c.217G>T (p.Glu73Ter)

Gene: PCCA (propionyl-CoA carboxylase subunit alpha; plus strand). Cytogenetic location: 13q32.3.
Variant type: single nucleotide variant.
Coding change: c.217G>T on transcript NM_000282.4 (MANE Select); coding-DNA position 217, G replaced by T.
Protein change: p.Glu73Ter; replaces glutamic acid 73 with a stop codon.
Molecular consequence: nonsense. On other transcripts: 5 prime UTR variant (3), non-coding transcript variant (5).
Genome position (GRCh38, 1-based): chr13:100,111,874, G>T. VCF-style: chr13-100111874-G-T. GRCh37 (hg19) VCF-style: chr13-100764128-G-T.
Other names: c.139G>T, p.Glu47Ter (NM_001127692.3, NM_001352607.2, NM_001352608.2); c.217G>T, p.Glu73Ter (NM_001178004.2, NM_001352605.2, NM_001352606.2 and 1 more transcripts); c.-650G>T (NM_001352610.2, NM_001352611.2, NM_001352612.2); short protein forms E73*, E47*.
Identifiers: ClinVar variation 1456785 (VCV001456785.9), dbSNP rs2152278559, ClinGen allele CA388693048.

ClinVar aggregate classification (germline): Pathogenic. Review status: criteria provided, multiple submitters, no conflicts (2 of 4 stars). 2 submissions from 2 submitters: Pathogenic (2). Last evaluated 2024-01-22.

Conditions:
Propionic acidemia (PROP). Also called: GLYCINEMIA, KETOTIC; HYPERGLYCINEMIA WITH KETOACIDOSIS AND LEUKOPENIA; KETOTIC HYPERGLYCINEMIA. Identifiers: Orphanet 35, MedGen C0268579, MONDO:0011628, OMIM 606054, HP:0003571.

gnomAD v4.1: 1 of 1,610,340 alleles (0.000062%); highest among the groups gnomAD compares: Non-Finnish European, 0.000085%; no homozygotes.

Submissions (2):

Labcorp Genetics (formerly Invitae), Labcorp
Classification: Pathogenic for Propionic acidemia. Last evaluated: 2024-01-22. Review status: criteria provided, single submitter. Criteria: Invitae Variant Classification Sherloc (09022015). Collection method: clinical testing. Allele origin: germline.
Comment: This sequence change creates a premature translational stop signal (p.Glu73*) in the PCCA gene. It is expected to result in an absent or disrupted protein product. Loss-of-function variants in PCCA are known to be pathogenic (PMID: 15464417). This variant is not present in population databases (gnomAD no frequency). This variant has not been reported in the literature in individuals affected with PCCA-related conditions. ClinVar contains an entry for this variant (Variation ID: 1456785). For these reasons, this variant has been classified as Pathogenic.

Victorian Clinical Genetics Services, Murdoch Childrens Research Institute
Classification: Pathogenic for Propionic acidemia. Last evaluated: 2022-02-02. Review status: criteria provided, single submitter. Criteria: ACMG Guidelines, 2015. Collection method: clinical testing. Allele origin: germline. Inheritance: Autosomal recessive inheritance. Affected: yes.
Comment: Based on the classification scheme VCGS_Germline_v1.3.4, this variant is classified as Pathogenic. Following criteria are met: 0102 - Loss of function is a known mechanism of disease in this gene and is associated with propionicacidemia (MIM#606054). (I) 0106 - This gene is associated with autosomal recessive disease. (I) 0201 - Variant is predicted to cause nonsense-mediated decay (NMD) and loss of protein (premature termination codon is located at least 54 nucleotides upstream of the final exon-exon junction). (SP) 0251 - This variant is heterozygous. (I) 0301 - Variant is absent from gnomAD (both v2 and v3). (SP) 0701 - Other NMD predicted variants comparable to the one identified in this case have very strong previous evidence for pathogenicity (ClinVar). (SP) 0807 - This variant has no previous evidence of pathogenicity. (I) 0905 - No published segregation evidence has been identified for this variant. (I) 1007 - No published functional evidence has been identified for this variant. (I) Legend: (SP) - Supporting pathogenic, (I) - Information, (SB) - Supporting benign

Literature cited by the submitters: PubMed 15464417 (cited by Labcorp Genetics (formerly Invitae), Labcorp).